The following is an entry in ClinVar:

NM_003002.4(SDHD):c.292G>C (p.Ala98Pro)

Gene: SDHD (succinate dehydrogenase complex subunit D; plus strand). Cytogenetic location: 11q23.1.
Variant type: single nucleotide variant.
Coding change: c.292G>C on transcript NM_003002.4 (MANE Select); coding-DNA position 292, G replaced by C.
Protein change: p.Ala98Pro; replaces alanine 98 with proline.
Molecular consequence: missense variant. On other transcripts: non-coding transcript variant (1), intron variant (1).
Genome position (GRCh38, 1-based): chr11:112,088,989, G>C. VCF-style: chr11-112088989-G-C. GRCh37 (hg19) VCF-style: chr11-111959713-G-C.
Other names: c.175G>C, p.Ala59Pro (NM_001276504.2); c.292G>C, p.Ala98Pro (NM_001276506.2); c.169+1016G>C (NM_001276503.2); short protein forms A59P, A98P.
Identifiers: ClinVar variation 1025466 (VCV001025466.10), dbSNP rs1865692235, ClinGen allele CA382617391.

ClinVar aggregate classification (germline): Uncertain significance (1 of 4 stars; one submission).

Conditions:
Carney-Stratakis syndrome. Also called: PARAGANGLIOMA AND GASTROINTESTINAL STROMAL TUMOR. Identifiers: Orphanet 97286, MedGen C1847319, MONDO:0011740, OMIM 606864.
Paragangliomas with sensorineural hearing loss. Identifiers: MedGen C1868633.
Cowden syndrome 3 (CWS3). Identifiers: Orphanet 201, MedGen CN166604, MONDO:0014045.
Pheochromocytoma. Also called: MAX-Related Hereditary Paraganglioma-Pheochromocytoma Syndrome. Identifiers: Orphanet 29072, MedGen C0031511, MONDO:0008233, OMIM 171300, HP:0002666.

Submission:

Labcorp Genetics (formerly Invitae), Labcorp
Classification: Uncertain significance for Carney-Stratakis syndrome; Paragangliomas with sensorineural hearing loss; Pheochromocytoma; Cowden syndrome 3. Last evaluated: 2024-04-15. Review status: criteria provided, single submitter. Criteria: Invitae Variant Classification Sherloc (09022015). Collection method: clinical testing. Allele origin: germline.
Comment: This sequence change replaces alanine, which is neutral and non-polar, with proline, which is neutral and non-polar, at codon 98 of the SDHD protein (p.Ala98Pro). This variant is not present in population databases (gnomAD no frequency). This variant has not been reported in the literature in individuals affected with SDHD-related conditions. ClinVar contains an entry for this variant (Variation ID: 1025466). Advanced modeling of protein sequence and biophysical properties (such as structural, functional, and spatial information, amino acid conservation, physicochemical variation, residue mobility, and thermodynamic stability) has been performed at Invitae for this missense variant, however the output from this modeling did not meet the statistical confidence thresholds required to predict the impact of this variant on SDHD protein function. In summary, the available evidence is currently insufficient to determine the role of this variant in disease. Therefore, it has been classified as a Variant of Uncertain Significance.